The following is an entry in ClinVar:

ClinVar aggregate classification (germline): Uncertain significance. Review status: criteria provided, multiple submitters, no conflicts (2 of 4 stars). 2 submissions from 2 submitters: Uncertain significance (2). Last evaluated 2023-06-16.

Conditions:
Spinocerebellar ataxia type 34 (SCA34). Identifiers: Orphanet 1955, MedGen C1851481, MONDO:0007574, OMIM 133190.

Allele frequency attached by ClinVar (database versions not stated): TOPMed 0.00001.

Submissions (2):

Labcorp Genetics (formerly Invitae), Labcorp
Classification: Uncertain significance. Last evaluated: 2023-06-16. Review status: criteria provided, single submitter. Criteria: Invitae Variant Classification Sherloc (09022015). Collection method: clinical testing. Allele origin: germline.
Comment: This variant is not present in population databases (gnomAD no frequency). This sequence change replaces leucine, which is neutral and non-polar, with valine, which is neutral and non-polar, at codon 55 of the ELOVL4 protein (p.Leu55Val). This variant has not been reported in the literature in individuals affected with ELOVL4-related conditions. In summary, the available evidence is currently insufficient to determine the role of this variant in disease. Therefore, it has been classified as a Variant of Uncertain Significance. Advanced modeling of protein sequence and biophysical properties (such as structural, functional, and spatial information, amino acid conservation, physicochemical variation, residue mobility, and thermodynamic stability) performed at Invitae indicates that this missense variant is not expected to disrupt ELOVL4 protein function. ClinVar contains an entry for this variant (Variation ID: 1028774).

Baylor Genetics
Classification: Uncertain significance for Spinocerebellar ataxia type 34. Last evaluated: 2019-02-01. Review status: criteria provided, single submitter. Criteria: ACMG Guidelines, 2015. Collection method: clinical testing. Allele origin: unknown. Affected: yes.
Comment: This variant was determined to be of uncertain significance according to ACMG Guidelines, 2015 [PMID:25741868].

NM_022726.4(ELOVL4):c.163C>G (p.Leu55Val)

Gene: ELOVL4 (ELOVL fatty acid elongase 4; minus strand). Cytogenetic location: 6q14.1.
Variant type: single nucleotide variant.
Coding change: c.163C>G on transcript NM_022726.4 (MANE Select); coding-DNA position 163, C replaced by G.
Protein change: p.Leu55Val; replaces leucine 55 with valine.
Molecular consequence: missense variant.
Genome position (GRCh38, 1-based): chr6:79,926,319, G>C on the plus strand (C>G on the coding strand, the complement: ELOVL4 is on the minus strand). VCF-style: chr6-79926319-G-C. GRCh37 (hg19) VCF-style: chr6-80636036-G-C.
Other names: short protein forms L55V.
Identifiers: ClinVar variation 1028774 (VCV001028774.10), dbSNP rs1774342487, ClinGen allele CA364657538.
Genomic context (GRCh38, chr6:79,926,319, plus strand): 5'-TCTGAAAAGGTTCTCGGTCCTTCATCCATTTTGGACCCAGCCACACAAACAGGAGATAAA[G>C]AGTGCTTATACTTAGTGTAGGCCAAGGAGACTGCATCAGAGGCCAATTTTCCACACGCTT-3'
Protein context (NP_073563.1, residues 45-65): SPWPTLSIST[Leu55Val]YLLFVWLGPK